The following is an entry in ClinVar:

NM_177438.3(DICER1):c.4978A>T (p.Asn1660Tyr)

Gene: DICER1 (dicer 1, ribonuclease III; minus strand). Cytogenetic location: 14q32.13.
Variant type: single nucleotide variant.
Coding change: c.4978A>T on transcript NM_177438.3 (MANE Select); coding-DNA position 4978, A replaced by T.
Protein change: p.Asn1660Tyr; replaces asparagine 1660 with tyrosine.
Molecular consequence: missense variant.
Genome position (GRCh38, 1-based): chr14:95,095,942, T>A on the plus strand (A>T on the coding strand, the complement: DICER1 is on the minus strand). VCF-style: chr14-95095942-T-A. GRCh37 (hg19) VCF-style: chr14-95562279-T-A.
Other names: c.4978A>T, p.Asn1660Tyr (NM_001195573.1, NM_001271282.3, NM_001291628.2 and 1 more transcripts); short protein forms N1660Y.
Identifiers: ClinVar variation 953492 (VCV000953492.11), dbSNP rs1890273197, ClinGen allele CA390866183.

ClinVar aggregate classification (germline): Uncertain significance (1 of 4 stars; one submission).

Conditions:
DICER1-related tumor predisposition. Also called: DICER1 syndrome; DICER1-related pleuropulmonary blastoma cancer predisposition syndrome. Identifiers: Orphanet 284343, MedGen C3839822, MONDO:0100216.

Submission:

Labcorp Genetics (formerly Invitae), Labcorp
Classification: Uncertain significance for DICER1-related tumor predisposition. Last evaluated: 2019-08-02. Review status: criteria provided, single submitter. Criteria: Invitae Variant Classification Sherloc (09022015). Collection method: clinical testing. Allele origin: germline.
Comment: In summary, the available evidence is currently insufficient to determine the role of this variant in disease. Therefore, it has been classified as a Variant of Uncertain Significance. Algorithms developed to predict the effect of missense changes on protein structure and function are either unavailable or do not agree on the potential impact of this missense change (SIFT: "Deleterious"; PolyPhen-2: "Benign"; Align-GVGD: "Class C0"). This variant has not been reported in the literature in individuals with DICER1-related conditions. This variant is not present in population databases (ExAC no frequency). This sequence change replaces asparagine with tyrosine at codon 1660 of the DICER1 protein (p.Asn1660Tyr). The asparagine residue is moderately conserved and there is a large physicochemical difference between asparagine and tyrosine.